The following is an entry in ClinVar:

ClinVar aggregate classification (germline): Conflicting classifications of pathogenicity. Review status: criteria provided, conflicting classifications (1 of 4 stars). 2 submissions from 2 submitters: Uncertain significance (1); Likely benign (1). Last evaluated 2023-05-01.

Conditions:
Colorectal cancer, hereditary nonpolyposis, type 7. Identifiers: Orphanet 144, MedGen C1858380, MONDO:0013725, OMIM 614385.

Allele frequency attached by ClinVar (database versions not stated): ExAC 0.00001; gnomAD exomes 0.00001.

Submissions (2):

Labcorp Genetics (formerly Invitae), Labcorp
Classification: Uncertain significance for Colorectal cancer, hereditary nonpolyposis, type 7. Last evaluated: 2023-05-01. Review status: criteria provided, single submitter. Criteria: Invitae Variant Classification Sherloc (09022015). Collection method: clinical testing. Allele origin: germline.
Comment: This variant is present in population databases (rs756720838, gnomAD 0.006%). In summary, the available evidence is currently insufficient to determine the role of this variant in disease. Therefore, it has been classified as a Variant of Uncertain Significance. Algorithms developed to predict the effect of missense changes on protein structure and function output the following: SIFT: "Not Available"; PolyPhen-2: "Benign"; Align-GVGD: "Not Available". The isoleucine amino acid residue is found in multiple mammalian species, which suggests that this missense change does not adversely affect protein function. ClinVar contains an entry for this variant (Variation ID: 1796219). This variant has not been reported in the literature in individuals affected with MLH3-related conditions. This sequence change replaces valine, which is neutral and non-polar, with isoleucine, which is neutral and non-polar, at codon 934 of the MLH3 protein (p.Val934Ile).

Ambry Genetics
Classification: Likely benign. Last evaluated: 2021-08-19. Review status: criteria provided, single submitter. Criteria: Ambry Variant Classification Scheme 2023. Collection method: clinical testing. Allele origin: germline.

NM_001040108.2(MLH3):c.2800G>A (p.Val934Ile)

Gene: MLH3 (mutL homolog 3; minus strand). Cytogenetic location: 14q24.3.
Variant type: single nucleotide variant.
Coding change: c.2800G>A on transcript NM_001040108.2 (MANE Select); coding-DNA position 2800, G replaced by A.
Protein change: p.Val934Ile; replaces valine 934 with isoleucine.
Molecular consequence: missense variant.
Genome position (GRCh38, 1-based): chr14:75,046,856, C>T on the plus strand (G>A on the coding strand, the complement: MLH3 is on the minus strand). VCF-style: chr14-75046856-C-T. GRCh37 (hg19) VCF-style: chr14-75513559-C-T.
Other names: c.2800G>A, p.Val934Ile (NM_014381.3); short protein forms V934I.
Identifiers: ClinVar variation 1796219 (VCV001796219.7), dbSNP rs756720838, ClinGen allele CA7275635.